The following is an entry in ClinVar:

ClinVar aggregate classification (germline): Conflicting classifications of pathogenicity. Review status: criteria provided, conflicting classifications (1 of 4 stars). 2 submissions from 2 submitters: Likely pathogenic (1); Uncertain significance (1). Last evaluated 2024-12-16.

Conditions:
Polycystic kidney disease. Also called: Polycystic kidney dysplasia; Kidney, Polycystic. Identifiers: MedGen C0022680, MeSH D007690, MONDO:0020642, HP:0000113.
Inborn genetic diseases. Identifiers: MedGen C0950123, MeSH D030342.

Allele frequency attached by ClinVar (database versions not stated): gnomAD exomes below 0.00001.
gnomAD v4.1: 1 of 1,614,262 alleles (0.000062%); highest among the groups gnomAD compares: Non-Finnish European, 0.000085%; no homozygotes.

Submissions (2):

Ambry Genetics
Classification: Uncertain significance for Inborn genetic diseases. Last evaluated: 2024-12-16. Review status: criteria provided, single submitter. Criteria: Ambry Variant Classification Scheme 2023. Collection method: clinical testing. Allele origin: germline.

Cavalleri Lab, Royal College of Surgeons in Ireland
Classification: Likely pathogenic for Polycystic kidney disease. Last evaluated: 2020-05-28. Review status: criteria provided, single submitter. Criteria: ACMG Guidelines, 2015. Collection method: research. Allele origin: unknown. Inheritance: Autosomal recessive inheritance. Affected: yes. Observed: 1 variant allele.
Comment: PM2, PM3, PP2, PP3, PP4, BP5

NM_138694.4(PKHD1):c.12029A>C (p.Gln4010Pro)

Gene: PKHD1 (PKHD1 ciliary IPT domain containing fibrocystin/polyductin; minus strand). Cytogenetic location: 6p12.3.
Variant type: single nucleotide variant.
Coding change: c.12029A>C on transcript NM_138694.4 (MANE Select); coding-DNA position 12029, A replaced by C.
Protein change: p.Gln4010Pro; replaces glutamine 4010 with proline.
Molecular consequence: missense variant.
Genome position (GRCh38, 1-based): chr6:51,619,277, T>G on the plus strand (A>C on the coding strand, the complement: PKHD1 is on the minus strand). VCF-style: chr6-51619277-T-G. GRCh37 (hg19) VCF-style: chr6-51484075-T-G.
Other names: short protein forms Q4010P.
Identifiers: ClinVar variation 977306 (VCV000977306.2), dbSNP rs1766312361, ClinGen allele CA364417030.